The following is an entry in ClinVar:

ClinVar aggregate classification (germline): Pathogenic (1 of 4 stars; one submission).

Conditions:
Cortical dysplasia-focal epilepsy syndrome (PTHSL1). Also called: Pitt-Hopkins-like syndrome 1. Identifiers: Orphanet 163681, Orphanet 221150, MedGen C2750246, MONDO:0012400, OMIM 610042.

Submission:

Labcorp Genetics (formerly Invitae), Labcorp
Classification: Pathogenic for Cortical dysplasia-focal epilepsy syndrome. Last evaluated: 2022-06-11. Review status: criteria provided, single submitter. Criteria: Invitae Variant Classification Sherloc (09022015). Collection method: clinical testing. Allele origin: germline.
Comment: For these reasons, this variant has been classified as Pathogenic. This variant has not been reported in the literature in individuals affected with CNTNAP2-related conditions. This variant is not present in population databases (gnomAD no frequency). This sequence change creates a premature translational stop signal (p.Lys204*) in the CNTNAP2 gene. It is expected to result in an absent or disrupted protein product. Loss-of-function variants in CNTNAP2 are known to be pathogenic (PMID: 19896112, 21827697, 25045150, 26843181, 27439707).

Literature cited by the submitters: PubMed 19896112; PubMed 21827697; PubMed 25045150; PubMed 26843181; PubMed 27439707.

NM_014141.6(CNTNAP2):c.610A>T (p.Lys204Ter)

Gene: CNTNAP2 (contactin associated protein 2; plus strand). Cytogenetic location: 7q35.
Variant type: single nucleotide variant.
Coding change: c.610A>T on transcript NM_014141.6 (MANE Select); coding-DNA position 610, A replaced by T.
Protein change: p.Lys204Ter; replaces lysine 204 with a stop codon.
Molecular consequence: nonsense.
Genome position (GRCh38, 1-based): chr7:147,108,206, A>T. VCF-style: chr7-147108206-A-T. GRCh37 (hg19) VCF-style: chr7-146805298-A-T.
Other names: short protein forms K204*.
Identifiers: ClinVar variation 2004789 (VCV002004789.4), dbSNP rs2485881102, ClinGen allele CA369923057.
Genomic context (GRCh38, chr7:147,108,206, plus strand): 5'-GGGGCTGATGTTATCAACTTTGATGGCCATGTTGTATTACCATATAGATTCAGAAACAAG[A>T]AGATGAAAACACTGAAAGATGTCATTGCCTTGAACTTTAAGACGTCTGAAAGTGAAGGAG-3'